The following is an entry in ClinVar:

ClinVar aggregate classification (germline): Benign/Likely benign. Review status: criteria provided, multiple submitters, no conflicts (2 of 4 stars). 6 submissions from 6 submitters: Benign (3); Likely benign (2). 1 of the submissions does not count toward it. Last evaluated 2020-09-25.

Conditions:
DOK7-related disorder. Also called: DOK7-related condition.

Allele frequency attached by ClinVar (database versions not stated): 1000 Genomes Project 30x 0.00953; gnomAD exomes 0.01485; TOPMed 0.01762; ExAC 0.02619; 1000 Genomes Project 0.01018; gnomAD 0.01785 and 0.01746; ESP Exome Variant Server 0.01830.
gnomAD v4.1: 36,527 of 1,487,404 alleles (2.5%); highest among the groups gnomAD compares: Non-Finnish European, 2.9%; 527 homozygotes.

Submissions (6):

Mayo Clinic Laboratories, Mayo Clinic
Classification: Benign. Last evaluated: 2020-09-25. Review status: criteria provided, single submitter. Criteria: ACMG Guidelines, 2015. Collection method: clinical testing. Allele origin: germline. Observed: 20 variant alleles.

Athena Diagnostics
Classification: Likely benign. Last evaluated: 2017-03-24. Review status: criteria provided, single submitter. Criteria: Athena Diagnostics Criteria. Collection method: clinical testing. Allele origin: germline.

GeneDx
Classification: Benign. Last evaluated: 2016-07-29. Review status: criteria provided, single submitter. Criteria: GeneDx Variant Classification (06012015). Collection method: clinical testing. Allele origin: germline. Affected: yes.
Comment: This variant is considered likely benign or benign based on one or more of the following criteria: it is a conservative change, it occurs at a poorly conserved position in the protein, it is predicted to be benign by multiple in silico algorithms, and/or has population frequency not consistent with disease.

Eurofins Ntd Llc (ga)
Classification: Benign. Last evaluated: 2016-05-11. Review status: criteria provided, single submitter. Criteria: EGL Classification Definitions 2015. Collection method: clinical testing. Allele origin: germline. Observed: 8 variant alleles, 8 heterozygotes.

Breakthrough Genomics
Classification: Likely benign. Review status: criteria provided, single submitter. Criteria: ACMG Guidelines, 2015. Collection method: not provided. Allele origin: germline. Inheritance: Autosomal recessive inheritance. Affected: yes.

PreventionGenetics, part of Exact Sciences
Classification: Benign for DOK7-related condition. Last evaluated: 2020-02-26. Review status: no assertion criteria provided. Collection method: clinical testing. Allele origin: germline. Not counted in ClinVar's aggregate classification.
Comment: This variant is classified as benign based on ACMG/AMP sequence variant interpretation guidelines (Richards et al. 2015 PMID: 25741868, with internal and published modifications).

NM_173660.5(DOK7):c.-6C>G

Gene: DOK7 (docking protein 7; plus strand). Cytogenetic location: 4p16.3.
Variant type: single nucleotide variant.
Coding change: c.-6C>G on transcript NM_173660.5 (MANE Select); 6 bases upstream of the start codon, C replaced by G.
Molecular consequence: 5 prime UTR variant.
Genome position (GRCh38, 1-based): chr4:3,463,370, C>G. VCF-style: chr4-3463370-C-G. GRCh37 (hg19) VCF-style: chr4-3465097-C-G.
Other names: c.-6C>G (NM_001164673.2, NM_001301071.2, NM_001363811.2).
Identifiers: ClinVar variation 193509 (VCV000193509.10), dbSNP rs191800156, ClinGen allele CA200633.